The following is an entry in ClinVar:

ClinVar aggregate classification (germline): Conflicting classifications of pathogenicity. Review status: criteria provided, conflicting classifications (1 of 4 stars). 3 submissions from 3 submitters: Pathogenic (1); Uncertain significance (2). Last evaluated 2024-06-11.

Conditions:
Autosomal recessive congenital ichthyosis 1 (LI1). Also called: ICHTHYOSIS CONGENITA; ICHTHYOSIS CONGENITA II; LAMELLAR EXFOLIATION OF NEWBORN; COLLODION FETUS; DESQUAMATION OF NEWBORN; ICHTHYOSIS, CONGENITAL, AUTOSOMAL RECESSIVE 1, WITH BATHING SUIT DISTRIBUTION. Identifiers: MedGen C4551630, MONDO:0009441, OMIM 242300.

Allele frequency attached by ClinVar (database versions not stated): gnomAD exomes below 0.00001.
gnomAD v4.1: 1 of 1,614,176 alleles (0.000062%); highest among the groups gnomAD compares: Non-Finnish European, 0.000085%; no homozygotes.

Submissions (3):

Women's Health and Genetics/Laboratory Corporation of America, LabCorp
Classification: Uncertain significance. Last evaluated: 2024-06-11. Review status: criteria provided, single submitter. Criteria: LabCorp Variant Classification Summary - May 2015. Collection method: clinical testing. Allele origin: germline.
Comment: Variant summary: TGM1 c.1082T>C (p.Ile361Thr) results in a non-conservative amino acid change in the encoded protein sequence. Five of five in-silico tools predict a damaging effect of the variant on protein function. The variant was absent in 251256 control chromosomes. The available data on variant occurrences in the general population are insufficient to allow any conclusion about variant significance. To our knowledge, no occurrence of c.1082T>C in individuals affected with Lamellar Ichthyosis and no experimental evidence demonstrating its impact on protein function have been reported. ClinVar contains an entry for this variant (Variation ID: 372535). Based on the evidence outlined above, the variant was classified as uncertain significance.

Revvity Omics, Revvity
Classification: Uncertain significance for Autosomal recessive congenital ichthyosis 1. Last evaluated: 2020-07-10. Review status: criteria provided, single submitter. Criteria: ACMG Guidelines, 2015. Collection method: clinical testing. Allele origin: germline.

GeneDx
Classification: Pathogenic. Last evaluated: 2015-06-26. Review status: criteria provided, single submitter. Criteria: GeneDx Variant Classification (06012015). Collection method: clinical testing. Allele origin: germline. Affected: yes.
Comment: The I361T has not been published as a pathogenic variant, nor has it been reported as a benign polymorphism to our knowledge. I361T was not observed in approximately 6,500 individuals of European and African American ancestry in the NHLBI Exome Sequencing Project, indicating it is not a common benign variant in these populations. It is a non-conservative amino acid substitution, which is likely to impact secondary protein structure as these residues differ in polarity, charge, size and/or other properties. This substitution occurs at a position that is conserved across species and in-silico analysis predicts this variant is probably damaging to the protein structure/function. In addition, missense variants in nearby residues (S358R, V359M, Y365D, L366P) have been reported in the Human Gene Mutation Database in association with lamellar ichthyosis (Stenson et al., 2014), supporting the functional importance of this region of the protein. Therefore, we interpret I361T as a pathogenic variant.

NM_000359.3(TGM1):c.1082T>C (p.Ile361Thr)

Gene: TGM1 (transglutaminase 1; minus strand). Cytogenetic location: 14q12.
Variant type: single nucleotide variant.
Coding change: c.1082T>C on transcript NM_000359.3 (MANE Select); coding-DNA position 1082, T replaced by C.
Protein change: p.Ile361Thr; replaces isoleucine 361 with threonine.
Molecular consequence: missense variant.
Genome position (GRCh38, 1-based): chr14:24,259,152, A>G on the plus strand (T>C on the coding strand, the complement: TGM1 is on the minus strand). VCF-style: chr14-24259152-A-G. GRCh37 (hg19) VCF-style: chr14-24728358-A-G.
Other names: short protein forms I361T.
Identifiers: ClinVar variation 372535 (VCV000372535.5), dbSNP rs1057517837, ClinGen allele CA16042852.